The following is an entry in ClinVar:

NM_014727.3(KMT2B):c.4757A>T (p.Lys1586Ile)

Gene: KMT2B (lysine methyltransferase 2B; plus strand). Cytogenetic location: 19q13.12.
Variant type: single nucleotide variant.
Coding change: c.4757A>T on transcript NM_014727.3 (MANE Select); coding-DNA position 4757, A replaced by T.
Protein change: p.Lys1586Ile; replaces lysine 1586 with isoleucine.
Molecular consequence: missense variant.
Genome position (GRCh38, 1-based): chr19:35,729,054, A>T. VCF-style: chr19-35729054-A-T. GRCh37 (hg19) VCF-style: chr19-36219955-A-T.
Other names: short protein forms K1586I.
Identifiers: ClinVar variation 2497841 (VCV002497841.2), dbSNP rs1413892315, ClinGen allele CA405417086.

ClinVar aggregate classification (germline): Uncertain significance. Review status: criteria provided, multiple submitters, no conflicts (2 of 4 stars). 2 submissions from 2 submitters: Uncertain significance (2). Last evaluated 2025-02-16.

gnomAD v4.1: 1 of 1,613,964 alleles (0.000062%); highest among the groups gnomAD compares: Non-Finnish European, 0.000085%; no homozygotes.

Submissions (2):

Laboratory of Genetics, Children's Clinical University Hospital Latvia
Classification: Uncertain significance. Last evaluated: 2025-02-16. Review status: criteria provided, single submitter. Criteria: ACMG Guidelines, 2015. Collection method: clinical testing. Allele origin: germline. Affected: yes.

GeneDx
Classification: Uncertain significance. Last evaluated: 2022-10-06. Review status: criteria provided, single submitter. Criteria: GeneDx Variant Classification Process June 2021. Collection method: clinical testing. Allele origin: germline. Affected: yes.
Comment: Not observed at significant frequency in large population cohorts (gnomAD); In silico analysis supports that this missense variant has a deleterious effect on protein structure/function; Has not been previously published as pathogenic or benign to our knowledge